The following is an entry in ClinVar:

ClinVar aggregate classification (germline): Uncertain significance (1 of 4 stars; one submission).

Submission:

Labcorp Genetics (formerly Invitae), Labcorp
Classification: Uncertain significance. Last evaluated: 2024-06-15. Review status: criteria provided, single submitter. Criteria: Invitae Variant Classification Sherloc (09022015). Collection method: clinical testing. Allele origin: germline.
Comment: This sequence change replaces glutamic acid, which is acidic and polar, with aspartic acid, which is acidic and polar, at codon 1349 of the KAT6A protein (p.Glu1349Asp). This variant is not present in population databases (gnomAD no frequency). This variant has not been reported in the literature in individuals affected with KAT6A-related conditions. Advanced modeling of protein sequence and biophysical properties (such as structural, functional, and spatial information, amino acid conservation, physicochemical variation, residue mobility, and thermodynamic stability) performed at Invitae indicates that this missense variant is not expected to disrupt KAT6A protein function with a negative predictive value of 80%. In summary, the available evidence is currently insufficient to determine the role of this variant in disease. Therefore, it has been classified as a Variant of Uncertain Significance.

NM_006766.5(KAT6A):c.4047G>C (p.Glu1349Asp)

Gene: KAT6A (lysine acetyltransferase 6A; minus strand). Cytogenetic location: 8p11.21.
Variant type: single nucleotide variant.
Coding change: c.4047G>C on transcript NM_006766.5 (MANE Select); coding-DNA position 4047, G replaced by C.
Protein change: p.Glu1349Asp; replaces glutamic acid 1349 with aspartic acid.
Molecular consequence: missense variant.
Genome position (GRCh38, 1-based): chr8:41,934,173, C>G on the plus strand (G>C on the coding strand, the complement: KAT6A is on the minus strand). VCF-style: chr8-41934173-C-G. GRCh37 (hg19) VCF-style: chr8-41791691-C-G.
Other names: short protein forms E1349D.
Identifiers: ClinVar variation 3655649 (VCV003655649.2).
Genomic context (GRCh38, chr8:41,934,173, plus strand): 5'-GGTTTCCTCTTTATCCTTTATCTTTTCCCTACTCTTCTGCATATTAGCATCTAAAAAAGA[C>G]TCTTGAACACCAGGCTCCTCCTTGACATCTTCCCTCGTGGGCTGTTCCTCTAGCTCCTTT-3'
Protein context (NP_006757.2, residues 1339-1359): EDVKEEPGVQ[Glu1349Asp]SFLDANMQKS